The following is an entry in ClinVar:

ClinVar aggregate classification (germline): Uncertain significance (1 of 4 stars; one submission).

Conditions:
Cardiovascular phenotype. Identifiers: MedGen CN230736.

Submission:

Ambry Genetics
Classification: Uncertain significance for Cardiovascular phenotype. Last evaluated: 2025-05-06. Review status: criteria provided, single submitter. Criteria: Ambry Variant Classification Scheme 2023. Collection method: clinical testing. Allele origin: germline.
Comment: The p.T2990A variant (also known as c.8968A>G), located in coding exon 36 of the AKAP9 gene, results from an A to G substitution at nucleotide position 8968. The threonine at codon 2990 is replaced by alanine, an amino acid with similar properties. This amino acid position is conserved. In addition, this alteration is predicted to be tolerated by in silico analysis. Based on the available evidence, the clinical significance of this variant remains unclear.

NM_005751.5(AKAP9):c.8968A>G (p.Thr2990Ala)

Gene: AKAP9 (A-kinase anchoring protein 9; plus strand). Cytogenetic location: 7q21.2.
Variant type: single nucleotide variant.
Coding change: c.8968A>G on transcript NM_005751.5 (MANE Select); coding-DNA position 8968, A replaced by G.
Protein change: p.Thr2990Ala; replaces threonine 2990 with alanine.
Molecular consequence: missense variant.
Genome position (GRCh38, 1-based): chr7:92,085,630, A>G. VCF-style: chr7-92085630-A-G. GRCh37 (hg19) VCF-style: chr7-91714944-A-G.
Other names: c.3613A>G, p.Thr1205Ala (NM_001379277.1); c.8944A>G, p.Thr2982Ala (NM_147185.3); short protein forms T1205A, T2990A, T2982A.
Identifiers: ClinVar variation 4033991 (VCV004033991.1).